The following is an entry in ClinVar:

NM_001164665.2(KIAA1549):c.2710G>C (p.Ala904Pro)

Gene: KIAA1549 (KIAA1549; minus strand). Cytogenetic location: 7q34.
Variant type: single nucleotide variant.
Coding change: c.2710G>C on transcript NM_001164665.2 (MANE Select); coding-DNA position 2710, G replaced by C.
Protein change: p.Ala904Pro; replaces alanine 904 with proline.
Molecular consequence: missense variant.
Genome position (GRCh38, 1-based): chr7:138,916,916, C>G on the plus strand (G>C on the coding strand, the complement: KIAA1549 is on the minus strand). VCF-style: chr7-138916916-C-G. GRCh37 (hg19) VCF-style: chr7-138601662-C-G.
Other names: c.2710G>C, p.Ala904Pro (NM_020910.3); short protein forms A904P.
Identifiers: ClinVar variation 969339 (VCV000969339.7), dbSNP rs117908080, ClinGen allele CA369392131.

ClinVar aggregate classification (germline): Uncertain significance (1 of 4 stars; one submission).

Submission:

Labcorp Genetics (formerly Invitae), Labcorp
Classification: Uncertain significance. Last evaluated: 2022-02-04. Review status: criteria provided, single submitter. Criteria: Invitae Variant Classification Sherloc (09022015). Collection method: clinical testing. Allele origin: germline.
Comment: This sequence change replaces alanine, which is neutral and non-polar, with proline, which is neutral and non-polar, at codon 904 of the KIAA1549 protein (p.Ala904Pro). This variant is not present in population databases (gnomAD no frequency). This variant has not been reported in the literature in individuals affected with KIAA1549-related conditions. ClinVar contains an entry for this variant (Variation ID: 969339). Algorithms developed to predict the effect of missense changes on protein structure and function output the following: SIFT: "Tolerated"; PolyPhen-2: "Benign"; Align-GVGD: "Class C0". The proline amino acid residue is found in multiple mammalian species, which suggests that this missense change does not adversely affect protein function. In summary, the available evidence is currently insufficient to determine the role of this variant in disease. Therefore, it has been classified as a Variant of Uncertain Significance.